The following is an entry in ClinVar:

ClinVar aggregate classification (germline): Likely pathogenic. Review status: criteria provided, multiple submitters, no conflicts (2 of 4 stars). 3 submissions from 3 submitters: Likely pathogenic (3). Last evaluated 2024-03-27.

Conditions:
CNGB1-related disorder. Also called: CNGB1-related condition.
Retinitis pigmentosa 45 (RP45). Identifiers: Orphanet 791, MedGen C3151066, MONDO:0013413, OMIM 613767.

Allele frequency attached by ClinVar (database versions not stated): gnomAD exomes 0.00001 and below 0.00001; TOPMed 0.00001; ExAC 0.00001.
gnomAD v4.1: 3 of 1,614,058 alleles (0.00019%); highest among the groups gnomAD compares: East Asian, 0.0022%; no homozygotes.

Submissions (3):

Fulgent Genetics
Classification: Likely pathogenic for Retinitis pigmentosa 45. Last evaluated: 2024-03-27. Review status: criteria provided, single submitter. Criteria: ACMG Guidelines, 2015. Collection method: clinical testing. Allele origin: germline.

Labcorp Genetics (formerly Invitae), Labcorp
Classification: Likely pathogenic. Last evaluated: 2022-09-02. Review status: criteria provided, single submitter. Criteria: Invitae Variant Classification Sherloc (09022015). Collection method: clinical testing. Allele origin: germline.
Comment: ClinVar contains an entry for this variant (Variation ID: 960506). Disruption of this splice site has been observed in individual(s) with clinical features of retinitis pigmentosa (Invitae). This variant is present in population databases (rs758524873, gnomAD 0.003%). This sequence change affects a donor splice site in intron 30 of the CNGB1 gene. It is expected to disrupt RNA splicing. Variants that disrupt the donor or acceptor splice site typically lead to a loss of protein function (PMID: 16199547), and loss-of-function variants in CNGB1 are known to be pathogenic (PMID: 15557452, 24043777). Algorithms developed to predict the effect of sequence changes on RNA splicing suggest that this variant may disrupt the consensus splice site. In summary, the currently available evidence indicates that the variant is pathogenic, but additional data are needed to prove that conclusively. Therefore, this variant has been classified as Likely Pathogenic.

Blueprint Genetics
Classification: Likely pathogenic for CNGB1-related disorders. Last evaluated: 2022-08-15. Review status: criteria provided, single submitter. Criteria: ACMG Guidelines, 2015. Collection method: clinical testing. Allele origin: germline. Affected: yes. Observed: 3 variant alleles.

Literature cited by the submitters: PubMed 16199547 (cited by Labcorp Genetics (formerly Invitae), Labcorp); PubMed 15557452 (cited by Labcorp Genetics (formerly Invitae), Labcorp); PubMed 24043777 (cited by Labcorp Genetics (formerly Invitae), Labcorp).

NM_001297.5(CNGB1):c.3095+1G>A

Gene: CNGB1 (cyclic nucleotide gated channel subunit beta 1; minus strand). Cytogenetic location: 16q21.
Variant type: single nucleotide variant.
Coding change: c.3095+1G>A on transcript NM_001297.5 (MANE Select); the canonical splice donor site of the intron after coding-DNA position 3095, G replaced by A.
Molecular consequence: splice donor variant.
Genome position (GRCh38, 1-based): chr16:57,897,795, C>T on the plus strand (G>A on the coding strand, the complement: CNGB1 is on the minus strand). VCF-style: chr16-57897795-C-T. GRCh37 (hg19) VCF-style: chr16-57931699-C-T.
Other names: c.3077+1G>A (NM_001286130.2).
Identifiers: ClinVar variation 960506 (VCV000960506.12), dbSNP rs758524873, ClinGen allele CA8082699.